The following is an entry in ClinVar:

NM_017988.6(SCYL2):c.1861A>T (p.Lys621Ter)

Gene: SCYL2 (SCY1 like pseudokinase 2; plus strand). Cytogenetic location: 12q23.1.
Variant type: single nucleotide variant.
Coding change: c.1861A>T on transcript NM_017988.6 (MANE Select); coding-DNA position 1861, A replaced by T.
Protein change: p.Lys621Ter; replaces lysine 621 with a stop codon.
Molecular consequence: nonsense.
Genome position (GRCh38, 1-based): chr12:100,334,265, A>T. VCF-style: chr12-100334265-A-T. GRCh37 (hg19) VCF-style: chr12-100728043-A-T.
Other names: c.1861A>T, p.Lys621Ter (NM_001317784.2); c.1873A>T, p.Lys625Ter (NM_001330253.2, NM_001330254.2); c.1354A>T, p.Lys452Ter (NM_001330256.2); short protein forms K625*, K452*, K621*.
Identifiers: ClinVar variation 4993234 (VCV004993234.1).

ClinVar aggregate classification (germline): Likely pathogenic (1 of 4 stars; one submission).

Conditions:
SCYL2-related disorder. Also called: SCYL2-related condition.

Submission:

PreventionGenetics, part of Exact Sciences
Classification: Likely pathogenic for SCYL2-related condition. Last evaluated: 2026-04-13. Review status: criteria provided, single submitter. Criteria: ACMG Guidelines, 2015. Collection method: clinical testing. Allele origin: germline.
Comment: The SCYL2 c.1873A>T variant is predicted to result in premature protein termination (p.Lys625*). To our knowledge, this variant has not been reported in the literature or in a large population database (gnomAD), indicating this variant is rare. Nonsense variants in SCYL2 are expected to be pathogenic. This variant is interpreted as likely pathogenic.